The following is an entry in ClinVar:

NM_203447.4(DOCK8):c.3263C>T (p.Thr1088Met)

Gene: DOCK8 (dedicator of cytokinesis 8; plus strand). Cytogenetic location: 9p24.3.
Variant type: single nucleotide variant.
Coding change: c.3263C>T on transcript NM_203447.4 (MANE Select); coding-DNA position 3263, C replaced by T.
Protein change: p.Thr1088Met; replaces threonine 1088 with methionine.
Molecular consequence: missense variant.
Genome position (GRCh38, 1-based): chr9:404,946, C>T. VCF-style: chr9-404946-C-T. GRCh37 (hg19) VCF-style: chr9-404946-C-T.
Other names: c.2963C>T, p.Thr988Met (NM_001190458.2); c.3059C>T, p.Thr1020Met (NM_001193536.2); short protein forms T1088M, T988M, T1020M.
Identifiers: ClinVar variation 514628 (VCV000514628.18), dbSNP rs149065013, ClinGen allele CA4958621.
Genomic context (GRCh38, chr9:404,946, plus strand): 5'-TGTTTCATTCCTCTTTTCATTTTTCTTCCCAGCTGTCAGCCAAGCTCAGTAACCTTCCAA[C>T]GCTCATTTCCATGAGGCTAGAGTTCCTGAGAATCCTCTGTAGCCATGAGCATTACCTCAA-3'
Protein context (NP_982272.2, residues 1078-1098): QLSAKLSNLP[Thr1088Met]LISMRLEFLR

ClinVar aggregate classification (germline): Conflicting classifications of pathogenicity. Review status: criteria provided, conflicting classifications (1 of 4 stars). 6 submissions from 6 submitters: Uncertain significance (2); Likely benign (4). Last evaluated 2025-12-31.

Conditions:
DOCK8-related disorder. Also called: DOCK8-related condition.
Combined immunodeficiency due to DOCK8 deficiency (HIES2). Also called: HYPER-IgE SYNDROME 2, AUTOSOMAL RECESSIVE, WITH RECURRENT INFECTIONS; HIES autosomal recessive; DOCK8 Deficiency; Hyper-IgE recurrent infection syndrome, autosomal recessive; HYPER-IgE RECURRENT INFECTION SYNDROME 2, AUTOSOMAL RECESSIVE. Identifiers: Orphanet 217390, MedGen C4722305, MONDO:0009478, OMIM 243700.
Inborn genetic diseases. Identifiers: MedGen C0950123, MeSH D030342.

Allele frequency attached by ClinVar (database versions not stated): gnomAD exomes 0.00005 and 0.00011; ExAC 0.00012; 1000 Genomes Project 0.00020; ESP Exome Variant Server 0.00023; 1000 Genomes Project 30x 0.00031; TOPMed 0.00054; gnomAD 0.00060 and 0.00067.
gnomAD v4.1: 173 of 1,614,060 alleles (0.011%); highest among the groups gnomAD compares: African/African-American, 0.19%; 1 homozygote.

Submissions (6):

Labcorp Genetics (formerly Invitae), Labcorp
Classification: Likely benign for Combined immunodeficiency due to DOCK8 deficiency. Last evaluated: 2025-12-31. Review status: criteria provided, single submitter. Criteria: Invitae Variant Classification Sherloc (09022015). Collection method: clinical testing. Allele origin: germline.

PreventionGenetics, part of Exact Sciences
Classification: Likely benign for DOCK8-related condition. Last evaluated: 2025-05-28. Review status: criteria provided, single submitter. Criteria: ACMG Guidelines, 2015. Collection method: clinical testing. Allele origin: germline.
Comment: This variant is classified as likely benign based on ACMG/AMP sequence variant interpretation guidelines (Richards et al. 2015 PMID: 25741868, with internal and published modifications).

Blueprint Genetics
Classification: Uncertain significance. Last evaluated: 2024-02-12. Review status: criteria provided, single submitter. Criteria: ACMG Guidelines, 2015. Collection method: clinical testing. Allele origin: germline.

Ambry Genetics
Classification: Likely benign for Inborn genetic diseases. Last evaluated: 2021-10-05. Review status: criteria provided, single submitter. Criteria: Ambry Variant Classification Scheme 2023. Collection method: clinical testing. Allele origin: germline.

Eurofins Ntd Llc (ga)
Classification: Uncertain significance. Last evaluated: 2018-05-16. Review status: criteria provided, single submitter. Criteria: EGL ClinVar v180209 classification definitions. Collection method: clinical testing. Allele origin: germline. Observed: 1 variant allele, 1 heterozygote.

GeneDx
Classification: Likely benign. Last evaluated: 2018-01-09. Review status: criteria provided, single submitter. Criteria: GeneDx Variant Classification (06012015). Collection method: clinical testing. Allele origin: germline. Affected: yes.
Comment: This variant is considered likely benign or benign based on one or more of the following criteria: it is a conservative change, it occurs at a poorly conserved position in the protein, it is predicted to be benign by multiple in silico algorithms, and/or has population frequency not consistent with disease.